The following is an entry in ClinVar:

ClinVar aggregate classification (germline): Uncertain significance. Review status: criteria provided, multiple submitters, no conflicts (2 of 4 stars). 2 submissions from 2 submitters: Uncertain significance (2). Last evaluated 2025-07-21.

Conditions:
Inborn genetic diseases. Identifiers: MedGen C0950123, MeSH D030342.

Allele frequency attached by ClinVar (database versions not stated): TOPMed 0.00002.

Submissions (2):

Labcorp Genetics (formerly Invitae), Labcorp
Classification: Uncertain significance. Last evaluated: 2025-07-21. Review status: criteria provided, single submitter. Criteria: Invitae Variant Classification Sherloc (09022015). Collection method: clinical testing. Allele origin: germline.
Comment: This sequence change replaces isoleucine, which is neutral and non-polar, with valine, which is neutral and non-polar, at codon 55 of the PNPLA8 protein (p.Ile55Val). This variant is not present in population databases (gnomAD no frequency). This variant has not been reported in the literature in individuals affected with PNPLA8-related conditions. ClinVar contains an entry for this variant (Variation ID: 1957563). An algorithm developed to predict the effect of missense changes on protein structure and function outputs the following: PolyPhen-2: "Benign". The valine amino acid residue is found in multiple mammalian species, which suggests that this missense change does not adversely affect protein function. In summary, the available evidence is currently insufficient to determine the role of this variant in disease. Therefore, it has been classified as a Variant of Uncertain Significance.

Ambry Genetics
Classification: Uncertain significance for Inborn genetic diseases. Last evaluated: 2025-04-18. Review status: criteria provided, single submitter. Criteria: Ambry Variant Classification Scheme 2023. Collection method: clinical testing. Allele origin: germline.

NM_001256007.3(PNPLA8):c.163A>G (p.Ile55Val)

Gene: PNPLA8 (patatin like domain 8, phospholipase A2; minus strand). Cytogenetic location: 7q31.1.
Variant type: single nucleotide variant.
Coding change: c.163A>G on transcript NM_001256007.3 (MANE Select); coding-DNA position 163, A replaced by G.
Protein change: p.Ile55Val; replaces isoleucine 55 with valine.
Molecular consequence: missense variant. On other transcripts: 5 prime UTR variant (2).
Genome position (GRCh38, 1-based): chr7:108,515,329, T>C on the plus strand (A>G on the coding strand, the complement: PNPLA8 is on the minus strand). VCF-style: chr7-108515329-T-C. GRCh37 (hg19) VCF-style: chr7-108155773-T-C.
Other names: c.163A>G, p.Ile55Val (NM_001256008.3, NM_001256009.3, NM_015723.5); c.-138A>G (NM_001256010.3, NM_001256011.3); c.163A>G (NM_015723.2); short protein forms I55V.
Identifiers: ClinVar variation 1957563 (VCV001957563.6), dbSNP rs1863256226, ClinGen allele CA368899450.
Genomic context (GRCh38, chr7:108,515,329, plus strand): 5'-TTGGAGAGTAACAGTGCTTACTGCAAGAATGTGCTTCACTTTTGGTCCATTTACATCTTA[T>C]TATGTTTGTATGAAAACCTCTTTGTAGACTGATGTGGCTTATCCTCCAGTAATGCTTAGG-3'
Protein context (NP_001242936.1, residues 45-65): SLQRGFHTNI[Ile55Val]RCKWTKSEAH